The following is an entry in ClinVar:

ClinVar aggregate classification (germline): Uncertain significance (1 of 4 stars; one submission).

Conditions:
Epidermolysis bullosa simplex 3, localized or generalized intermediate, with BP230 deficiency (EBS3). Also called: Epidermolysis bullosa simplex due to BP230 deficiency; Epidermolysis bullosa simplex, autosomal recessive 2. Identifiers: Orphanet 412181, MedGen C3809470, MONDO:0014180, OMIM 615425.
Hereditary sensory and autonomic neuropathy type 6. Also called: HSAN VI; Neuropathy, hereditary sensory and autonomic, type VI. Identifiers: Orphanet 314381, MedGen C3539003, MONDO:0013839, OMIM 614653.

Submission:

Labcorp Genetics (formerly Invitae), Labcorp
Classification: Uncertain significance for Epidermolysis bullosa simplex 3, localized or generalized intermediate, with BP230 deficiency; Hereditary sensory and autonomic neuropathy type 6. Last evaluated: 2021-10-31. Review status: criteria provided, single submitter. Criteria: Invitae Variant Classification Sherloc (09022015). Collection method: clinical testing. Allele origin: germline.
Comment: This sequence change replaces arginine, which is basic and polar, with isoleucine, which is neutral and non-polar, at codon 1185 of the DST protein (p.Arg1185Ile). The DST gene has multiple clinically relevant transcripts. This variant occurs in alternate transcript NM_015548.4, and corresponds to NM_001723.5:c.*4972G>T in the primary transcript. This variant is not present in population databases (gnomAD no frequency). In summary, the available evidence is currently insufficient to determine the role of this variant in disease. Therefore, it has been classified as a Variant of Uncertain Significance. Experimental studies and prediction algorithms are not available or were not evaluated, and the functional significance of this variant is currently unknown. This variant has not been reported in the literature in individuals affected with DST-related conditions.

NM_001374736.1(DST):c.5165G>T (p.Arg1722Ile)

Gene: DST (dystonin; minus strand). Cytogenetic location: 6p12.1.
Variant type: single nucleotide variant.
Coding change: c.5165G>T on transcript NM_001374736.1 (MANE Select); coding-DNA position 5165, G replaced by T.
Protein change: p.Arg1722Ile; replaces arginine 1722 with isoleucine.
Molecular consequence: missense variant.
Genome position (GRCh38, 1-based): chr6:56,610,545, C>A on the plus strand (G>T on the coding strand, the complement: DST is on the minus strand). VCF-style: chr6-56610545-C-A. GRCh37 (hg19) VCF-style: chr6-56475343-C-A.
Other names: c.5066G>T, p.Arg1689Ile (NM_001144769.5); c.4652G>T, p.Arg1551Ile (NM_001144770.2); c.5165G>T, p.Arg1722Ile (NM_001374722.1); c.4532G>T, p.Arg1511Ile (NM_001374729.1, NM_001374730.1, NM_001386100.1 and 1 more transcripts); c.5192G>T, p.Arg1731Ile (NM_001374734.1); c.3554G>T, p.Arg1185Ile (NM_015548.5); short protein forms R1511I, R1551I, R1185I, R1731I, R1689I, R1722I.
Identifiers: ClinVar variation 1514822 (VCV001514822.6), dbSNP rs2152718108, ClinGen allele CA364561317.